The following is an entry in ClinVar:

NM_000179.3(MSH6):c.2609A>G (p.Lys870Arg)

Gene: MSH6 (mutS homolog 6; plus strand). Cytogenetic location: 2p16.3.
Variant type: single nucleotide variant.
Coding change: c.2609A>G on transcript NM_000179.3 (MANE Select); coding-DNA position 2609, A replaced by G.
Protein change: p.Lys870Arg; replaces lysine 870 with arginine.
Molecular consequence: missense variant. On other transcripts: non-coding transcript variant (5), intron variant (3).
Genome position (GRCh38, 1-based): chr2:47,800,592, A>G. VCF-style: chr2-47800592-A-G. GRCh37 (hg19) VCF-style: chr2-48027731-A-G.
Other names: c.2609A>G, p.Lys870Arg (NM_001406798.1, NM_001406800.1, NM_001406808.1 and 2 more transcripts); c.2084A>G, p.Lys695Arg (NM_001406799.1, NM_001406806.1, NM_001406807.1); c.2312A>G, p.Lys771Arg (NM_001406801.1, NM_001406805.1, NM_001406818.1 and 10 more transcripts); c.2705A>G, p.Lys902Arg (NM_001406802.1, NM_001406795.1); c.2531A>G, p.Lys844Arg (NM_001406804.1); c.1703A>G, p.Lys568Arg (NM_001406811.1, NM_001406812.1, NM_001406814.1 and 6 more transcripts); c.2615A>G, p.Lys872Arg (NM_001406813.1); c.2441A>G, p.Lys814Arg (NM_001406826.1); and 4 more; short protein forms K568R, K695R, K740R, K771R, K814R, K844R, K870R, K872R.
Identifiers: ClinVar variation 3893922 (VCV003893922.1).

ClinVar aggregate classification (germline): Uncertain significance (1 of 4 stars; one submission).

Conditions:
Hereditary cancer-predisposing syndrome. Also called: Neoplastic Syndromes, Hereditary; Tumor predisposition; Hereditary Cancer Syndrome; Hereditary neoplastic syndrome. Identifiers: Orphanet 140162, MedGen C0027672, MeSH D009386, MONDO:0015356.

Submission:

Color Diagnostics, LLC DBA Color Health
Classification: Uncertain significance for Hereditary cancer-predisposing syndrome. Last evaluated: 2024-12-16. Review status: criteria provided, single submitter. Criteria: ACMG Guidelines, 2015. Collection method: clinical testing. Allele origin: germline.
Comment: This missense variant replaces lysine with arginine at codon 870 of the MSH6 protein. Computational prediction suggests that this variant may not impact protein structure and function (internally defined REVEL score threshold <= 0.5, PMID: 27666373). To our knowledge, functional studies have not been reported for this variant. This variant has not been reported in individuals affected with MSH6-related disorders in the literature. This variant has not been identified in the general population by the Genome Aggregation Database (gnomAD). The available evidence is insufficient to determine the role of this variant in disease conclusively. Therefore, this variant is classified as a Variant of Uncertain Significance.